The following is an entry in ClinVar:

NM_015450.3(POT1):c.10-3T>C

Gene: POT1 (protection of telomeres 1; minus strand). Cytogenetic location: 7q31.33.
Variant type: single nucleotide variant.
Coding change: c.10-3T>C on transcript NM_015450.3 (MANE Select); 3 bases into the intron before coding-DNA position 10, T replaced by C.
Molecular consequence: intron variant.
Genome position (GRCh38, 1-based): chr7:124,892,383, A>G on the plus strand (T>C on the coding strand, the complement: POT1 is on the minus strand). VCF-style: chr7-124892383-A-G. GRCh37 (hg19) VCF-style: chr7-124532437-A-G.
Other names: c.-253-3T>C (NM_001042594.2); c.10-3T>C (NM_015450.2).
Identifiers: ClinVar variation 1038421 (VCV001038421.9), dbSNP rs1796393484, ClinGen allele CA1740762128.
Genomic context (GRCh38, chr7:124,892,383, plus strand): 5'-CAATTGTACCACCCTTAAGTTGATTCAGGGGTGTATATATATAATTTGTTGCTGGAACCT[A>G]AAGAAAGAGAAGACAGTGAATACATTTATACAAAGTATTTACATTGTAGAATCATGTTAT-3'

ClinVar aggregate classification (germline): Uncertain significance. Review status: criteria provided, multiple submitters, no conflicts (2 of 4 stars). 2 submissions from 2 submitters: Uncertain significance (2). Last evaluated 2025-08-04.

Conditions:
Tumor predisposition syndrome 3 (TPDS3). Also called: Melanoma, cutaneous malignant, susceptibility to, 10; Glioma susceptibility 9; LONG TELOMERE SYNDROME, POT1-RELATED; POT1 Tumor Predisposition. Identifiers: Orphanet 618, MedGen C4014476, MONDO:0014368, OMIM 615848.
Hereditary cancer-predisposing syndrome. Also called: Neoplastic Syndromes, Hereditary; Hereditary Cancer Syndrome; Hereditary neoplastic syndrome; Tumor predisposition. Identifiers: Orphanet 140162, MedGen C0027672, MeSH D009386, MONDO:0015356.

Allele frequency attached by ClinVar (database versions not stated): gnomAD exomes below 0.00001.

Submissions (2):

Ambry Genetics
Classification: Uncertain significance for Hereditary cancer-predisposing syndrome. Last evaluated: 2025-08-04. Review status: criteria provided, single submitter. Criteria: Ambry Variant Classification Scheme 2023. Collection method: clinical testing. Allele origin: germline.
Comment: The c.10-3T>C intronic variant results from a T to C substitution 3 nucleotides upstream from coding exon 2 in the POT1 gene. This nucleotide position is well conserved in available vertebrate species. In silico splice site analysis predicts that this alteration will not have any significant effect on splicing; however, direct evidence is insufficient at this time (Ambry internal data). Since supporting evidence is limited at this time, the clinical significance of this alteration remains unclear.

Labcorp Genetics (formerly Invitae), Labcorp
Classification: Uncertain significance for Tumor predisposition syndrome 3. Last evaluated: 2025-02-02. Review status: criteria provided, single submitter. Criteria: Invitae Variant Classification Sherloc (09022015). Collection method: clinical testing. Allele origin: germline.
Comment: This sequence change falls in intron 5 of the POT1 gene. It does not directly change the encoded amino acid sequence of the POT1 protein. It affects a nucleotide within the consensus splice site. This variant is not present in population databases (gnomAD no frequency). This variant has not been reported in the literature in individuals affected with POT1-related conditions. ClinVar contains an entry for this variant (Variation ID: 1038421). Variants that disrupt the consensus splice site are a relatively common cause of aberrant splicing (PMID: 17576681, 9536098). Algorithms developed to predict the effect of sequence changes on RNA splicing suggest that this variant is not likely to affect RNA splicing. In summary, the available evidence is currently insufficient to determine the role of this variant in disease. Therefore, it has been classified as a Variant of Uncertain Significance.

Literature cited by the submitters: PubMed 17576681 (cited by Labcorp Genetics (formerly Invitae), Labcorp); PubMed 9536098 (cited by Labcorp Genetics (formerly Invitae), Labcorp).